The following is an entry in ClinVar:

ClinVar aggregate classification (germline): Conflicting classifications of pathogenicity. Review status: criteria provided, conflicting classifications (1 of 4 stars). 3 submissions from 3 submitters: Uncertain significance (2); Likely benign (1). Last evaluated 2025-08-12.

Conditions:
LRP5-related disorder. Also called: LRP5-related condition.

Allele frequency attached by ClinVar (database versions not stated): gnomAD 0.00002; TOPMed 0.00002; gnomAD exomes 0.00003; ExAC 0.00006.
gnomAD v4.1: 52 of 1,613,176 alleles (0.0032%); highest among the groups gnomAD compares: South Asian, 0.037%; no homozygotes.

Submissions (3):

Labcorp Genetics (formerly Invitae), Labcorp
Classification: Uncertain significance. Last evaluated: 2025-08-12. Review status: criteria provided, single submitter. Criteria: Invitae Variant Classification Sherloc (09022015). Collection method: clinical testing. Allele origin: germline.
Comment: This sequence change replaces glycine, which is neutral and non-polar, with serine, which is neutral and polar, at codon 49 of the LRP5 protein (p.Gly49Ser). This variant is present in population databases (rs759606638, gnomAD 0.04%). This variant has not been reported in the literature in individuals affected with LRP5-related conditions. ClinVar contains an entry for this variant (Variation ID: 2172318). Invitae Evidence Modeling of protein sequence and biophysical properties (such as structural, functional, and spatial information, amino acid conservation, physicochemical variation, residue mobility, and thermodynamic stability) has been performed for this missense variant. However, the output from this modeling did not meet the statistical confidence thresholds required to predict the impact of this variant on LRP5 protein function. In summary, the available evidence is currently insufficient to determine the role of this variant in disease. Therefore, it has been classified as a Variant of Uncertain Significance.

PreventionGenetics, part of Exact Sciences
Classification: Uncertain significance for LRP5-related condition. Last evaluated: 2025-04-30. Review status: criteria provided, single submitter. Criteria: ACMG Guidelines, 2015. Collection method: clinical testing. Allele origin: germline.
Comment: The LRP5 c.145G>A variant is predicted to result in the amino acid substitution p.Gly49Ser. To our knowledge, this variant has not been reported in the literature. This variant is reported in 0.039% of alleles in individuals of South Asian descent in gnomAD. At this time, the clinical significance of this variant is uncertain due to the absence of conclusive functional and genetic evidence.

Blueprint Genetics
Classification: Likely benign. Last evaluated: 2024-03-28. Review status: criteria provided, single submitter. Criteria: ACMG Guidelines, 2015. Collection method: clinical testing. Allele origin: germline.

NM_002335.4(LRP5):c.145G>A (p.Gly49Ser)

Gene: LRP5 (LDL receptor related protein 5; plus strand). Cytogenetic location: 11q13.2.
Variant type: single nucleotide variant.
Coding change: c.145G>A on transcript NM_002335.4 (MANE Select); coding-DNA position 145, G replaced by A.
Protein change: p.Gly49Ser; replaces glycine 49 with serine.
Molecular consequence: missense variant. On other transcripts: 5 prime UTR variant (1).
Genome position (GRCh38, 1-based): chr11:68,347,900, G>A. VCF-style: chr11-68347900-G-A. GRCh37 (hg19) VCF-style: chr11-68115368-G-A.
Other names: c.-1621G>A (NM_001291902.2); c.145G>A (NM_002335.3); short protein forms G49S.
Identifiers: ClinVar variation 2172318 (VCV002172318.6), dbSNP rs759606638, ClinGen allele CA6148920.
Genomic context (GRCh38, chr11:68,347,900, plus strand): 5'-CCCACAGCCTCGCCGCTCCTGCTATTTGCCAACCGCCGGGACGTACGGCTGGTGGACGCC[G>A]GCGGAGTCAAGCTGGAGTCCACCATCGTGGTCAGCGGCCTGGAGGATGCGGCCGCAGTGG-3'
Protein context (NP_002326.2, residues 39-59): NRRDVRLVDA[Gly49Ser]GVKLESTIVV